The following is an entry in ClinVar:

ClinVar aggregate classification (germline): Uncertain significance. Review status: criteria provided, multiple submitters, no conflicts (2 of 4 stars). 2 submissions from 2 submitters: Uncertain significance (2). Last evaluated 2024-05-21.

Conditions:
Inborn genetic diseases. Identifiers: MedGen C0950123, MeSH D030342.
Hyperphosphatasia with impaired intellectual development syndrome 2. Also called: Hyperphosphatasia with intellectual disability syndrome 2; GLYCOSYLPHOSPHATIDYLINOSITOL BIOSYNTHESIS DEFECT 6. Identifiers: Orphanet 247262, MedGen C3553637, MONDO:0013882, OMIM 614749.

Allele frequency attached by ClinVar (database versions not stated): gnomAD 0.00005; ExAC 0.00003; gnomAD exomes 0.00003; ESP Exome Variant Server 0.00008.
gnomAD v4.1: 94 of 1,614,142 alleles (0.0058%); highest among the groups gnomAD compares: Middle Eastern, 0.016%; no homozygotes.

Submissions (2):

Ambry Genetics
Classification: Uncertain significance for Inborn genetic diseases. Last evaluated: 2024-05-21. Review status: criteria provided, single submitter. Criteria: Ambry Variant Classification Scheme 2023. Collection method: clinical testing. Allele origin: germline.

Labcorp Genetics (formerly Invitae), Labcorp
Classification: Uncertain significance for Hyperphosphatasia with impaired intellectual development syndrome 2. Last evaluated: 2023-08-04. Review status: criteria provided, single submitter. Criteria: Invitae Variant Classification Sherloc (09022015). Collection method: clinical testing. Allele origin: germline.
Comment: In summary, the available evidence is currently insufficient to determine the role of this variant in disease. Therefore, it has been classified as a Variant of Uncertain Significance. Advanced modeling of protein sequence and biophysical properties (such as structural, functional, and spatial information, amino acid conservation, physicochemical variation, residue mobility, and thermodynamic stability) performed at Invitae indicates that this missense variant is not expected to disrupt PIGO protein function. ClinVar contains an entry for this variant (Variation ID: 1051050). This variant has not been reported in the literature in individuals affected with PIGO-related conditions. This variant is present in population databases (rs375108991, gnomAD 0.006%). This sequence change replaces glutamine, which is neutral and polar, with glutamic acid, which is acidic and polar, at codon 430 of the PIGO protein (p.Gln430Glu).

NM_032634.4(PIGO):c.1288C>G (p.Gln430Glu)

Gene: PIGO (phosphatidylinositol glycan anchor biosynthesis class O; minus strand). Cytogenetic location: 9p13.3.
Variant type: single nucleotide variant.
Coding change: c.1288C>G on transcript NM_032634.4 (MANE Select); coding-DNA position 1288, C replaced by G.
Protein change: p.Gln430Glu; replaces glutamine 430 with glutamic acid.
Molecular consequence: missense variant.
Genome position (GRCh38, 1-based): chr9:35,092,599, G>C on the plus strand (C>G on the coding strand, the complement: PIGO is on the minus strand). VCF-style: chr9-35092599-G-C. GRCh37 (hg19) VCF-style: chr9-35092596-G-C.
Other names: c.1288C>G, p.Gln430Glu (NM_001201484.2, NM_152850.4); c.1288C>G (NM_032634.3); short protein forms Q430E.
Identifiers: ClinVar variation 1051050 (VCV001051050.10), dbSNP rs375108991, ClinGen allele CA5040671.